The following is an entry in ClinVar:

ClinVar aggregate classification (germline): Pathogenic/Likely pathogenic. Review status: criteria provided, multiple submitters, no conflicts (2 of 4 stars). 5 submissions from 5 submitters: Pathogenic (3); Likely pathogenic (2). Last evaluated 2025-06-15.

Conditions:
Endometrial carcinoma. Also called: Endometrial carcinoma, somatic. Identifiers: MedGen C0476089, MONDO:0002447, OMIM 608089, HP:0012114.
Familial adenomatous polyposis 4 (FAP4). Also called: MSH3-related attenuated familial adenomatous polyposis. Identifiers: Orphanet 480536, MedGen C4310719, MONDO:0044300, OMIM 617100.
Hereditary cancer-predisposing syndrome. Also called: Neoplastic Syndromes, Hereditary; Tumor predisposition; Hereditary neoplastic syndrome; Hereditary Cancer Syndrome. Identifiers: Orphanet 140162, MedGen C0027672, MeSH D009386, MONDO:0015356.

Allele frequency attached by ClinVar (database versions not stated): gnomAD exomes below 0.00001; TOPMed 0.00001.
gnomAD v4.1: 1 of 1,610,858 alleles (0.000062%); highest among the groups gnomAD compares: Admixed American, 0.0017%; no homozygotes.

Submissions (5):

Labcorp Genetics (formerly Invitae), Labcorp
Classification: Pathogenic. Last evaluated: 2025-06-15. Review status: criteria provided, single submitter. Criteria: Invitae Variant Classification Sherloc (09022015). Collection method: clinical testing. Allele origin: germline.
Comment: This sequence change creates a premature translational stop signal (p.Glu512*) in the MSH3 gene. It is expected to result in an absent or disrupted protein product. Loss-of-function variants in MSH3 are known to be pathogenic (PMID: 27476653, 37402566). This variant is present in population databases (no rsID available, gnomAD 0.003%). This variant has not been reported in the literature in individuals affected with MSH3-related conditions. ClinVar contains an entry for this variant (Variation ID: 838651). For these reasons, this variant has been classified as Pathogenic.

Ambry Genetics
Classification: Pathogenic for Hereditary cancer-predisposing syndrome. Last evaluated: 2024-03-21. Review status: criteria provided, single submitter. Criteria: Ambry Variant Classification Scheme 2023. Collection method: clinical testing. Allele origin: germline.
Comment: The p.E512* variant (also known as c.1534G>T), located in coding exon 10 of the MSH3 gene, results from a G to T substitution at nucleotide position 1534. This changes the amino acid from a glutamic acid to a stop codon within coding exon 10. This alteration is expected to result in loss of function by premature protein truncation or nonsense-mediated mRNA decay. As such, this alteration is interpreted as a disease-causing mutation.

Myriad Genetics, Inc.
Classification: Pathogenic for Familial adenomatous polyposis 4. Last evaluated: 2023-08-30. Review status: criteria provided, single submitter. Criteria: Myriad Autosomal Dominant, Autosomal Recessive and X-Linked Classification Criteria (2023). Collection method: clinical testing. Allele origin: unknown.
Comment: This variant is considered pathogenic. This variant creates a termination codon and is predicted to result in premature protein truncation.

St. Jude Molecular Pathology, St. Jude Children's Research Hospital
Classification: Likely pathogenic for Familial adenomatous polyposis 4. Last evaluated: 2022-06-09. Review status: criteria provided, single submitter. Criteria: St. Jude Assertion Criteria 2020. Collection method: clinical testing. Allele origin: germline.
Comment: The MSH3 c.1534G>T (p.Glu512Ter) change is a nonsense variant that is predicted to cause premature protein truncation and loss of normal protein function. This variant has a maximum subpopulation frequency of 0.0029% in gnomAD v2.1.1. This variant has been reported in an individual with colorectal cancer (PMID: 28002797). In summary, this variant meets criteria to be classified as likely pathogenic.

Baylor Genetics
Classification: Likely pathogenic for Endometrial carcinoma. Last evaluated: 2022-05-05. Review status: criteria provided, single submitter. Criteria: ACMG Guidelines, 2015. Collection method: clinical testing. Allele origin: unknown.

Literature cited by the submitters: PubMed 27476653 (cited by Labcorp Genetics (formerly Invitae), Labcorp); PubMed 37402566 (cited by Labcorp Genetics (formerly Invitae), Labcorp).

NM_002439.5(MSH3):c.1534G>T (p.Glu512Ter)

Gene: MSH3 (mutS homolog 3; plus strand). Cytogenetic location: 5q14.1.
Variant type: single nucleotide variant.
Coding change: c.1534G>T on transcript NM_002439.5 (MANE Select); coding-DNA position 1534, G replaced by T.
Protein change: p.Glu512Ter; replaces glutamic acid 512 with a stop codon.
Molecular consequence: nonsense.
Genome position (GRCh38, 1-based): chr5:80,728,931, G>T. VCF-style: chr5-80728931-G-T. GRCh37 (hg19) VCF-style: chr5-80024750-G-T.
Other names: short protein forms E512*.
Identifiers: ClinVar variation 838651 (VCV000838651.16), dbSNP rs1379605717, ClinGen allele CA360274311.